The following is an entry in ClinVar:

NM_006904.7(PRKDC):c.12343A>G (p.Asn4115Asp)

Gene: PRKDC (protein kinase, DNA-activated, catalytic subunit; minus strand). Cytogenetic location: 8q11.21.
Variant type: single nucleotide variant.
Coding change: c.12343A>G on transcript NM_006904.7 (MANE Select); coding-DNA position 12343, A replaced by G.
Protein change: p.Asn4115Asp; replaces asparagine 4115 with aspartic acid.
Molecular consequence: missense variant.
Genome position (GRCh38, 1-based): chr8:47,774,217, T>C on the plus strand (A>G on the coding strand, the complement: PRKDC is on the minus strand). VCF-style: chr8-47774217-T-C. GRCh37 (hg19) VCF-style: chr8-48686778-T-C.
Other names: c.12250A>G, p.Asn4084Asp (NM_001081640.2); short protein forms N4115D, N4084D.
Identifiers: ClinVar variation 852672 (VCV000852672.5), dbSNP rs529354763, ClinGen allele CA4738855.
Genomic context (GRCh38, chr8:47,774,217, plus strand): 5'-CAGACTCCCACAGACCTCACATCCAGGGCTCCCATCCTTCCCAGGTTCTGCCAAGGATGT[T>C]GGGGTCTGTTGCCTGGTCCATCAGGCACTTCACTTGAGTCTCTTCTGAAAGCCCACTCTC-3'
Protein context (NP_008835.5, residues 4105-4125): KCLMDQATDP[Asn4115Asp]ILGRTWEGWE

ClinVar aggregate classification (germline): Uncertain significance. Review status: criteria provided, multiple submitters, no conflicts (2 of 4 stars). 3 submissions from 3 submitters: Uncertain significance (3). Last evaluated 2024-04-22.

Conditions:
Severe combined immunodeficiency due to DNA-PKcs deficiency. Also called: IMMUNODEFICIENCY 26 WITH NEUROLOGIC ABNORMALITIES; Immunodeficiency 26 with or without neurologic abnormalities. Identifiers: Orphanet 317425, MedGen C4014833, MONDO:0014423, OMIM 615966.

Allele frequency attached by ClinVar (database versions not stated): gnomAD 0.00001; gnomAD exomes 0.00001 and 0.00005; TOPMed 0.00001; ExAC 0.00013; 1000 Genomes Project 0.00020; 1000 Genomes Project 30x 0.00031.
gnomAD v4.1: 21 of 1,596,502 alleles (0.0013%); highest among the groups gnomAD compares: South Asian, 0.019%; no homozygotes.

Submissions (3):

Ambry Genetics
Classification: Uncertain significance. Last evaluated: 2024-04-22. Review status: criteria provided, single submitter. Criteria: Ambry Variant Classification Scheme 2023. Collection method: clinical testing. Allele origin: germline.
Comment: The p.N4115D variant (also known as c.12343A>G), located in coding exon 86 of the PRKDC gene, results from an A to G substitution at nucleotide position 12343. The asparagine at codon 4115 is replaced by aspartic acid, an amino acid with highly similar properties. This amino acid position is conserved. In addition, this alteration is predicted to be tolerated by in silico analysis. Based on the available evidence, the clinical significance of this variant remains unclear.

Women's Health and Genetics/Laboratory Corporation of America, LabCorp
Classification: Uncertain significance. Last evaluated: 2023-10-13. Review status: criteria provided, single submitter. Criteria: LabCorp Variant Classification Summary - May 2015. Collection method: clinical testing. Allele origin: germline.
Comment: Variant summary: PRKDC c.12340A>G/p.Asn4114Asp(also known as c.12343A>G/p.Asn4115Asp) results in a conservative amino acid change in the encoded protein sequence. Three of five in-silico tools predict a benign effect of the variant on protein function. The variant allele was found at a frequency of 4.5e-05 in 221284 control chromosomes (gnomAD). This frequency is not significantly higher than estimated for a pathogenic variant in PRKDC causing Severe Combined Immunodeficiency (4.5e-05 vs 0.00035), allowing no conclusion about variant significance. To our knowledge, no occurrence of c.12340A>G in individuals affected with Severe Combined Immunodeficiency and no experimental evidence demonstrating its impact on protein function have been reported. One submitter has cited clinical-significance assessments for this variant to ClinVar after 2014 and has classified the variant as uncertain significance. Based on the evidence outlined above, the variant was classified as uncertain significance.

Labcorp Genetics (formerly Invitae), Labcorp
Classification: Uncertain significance for Severe combined immunodeficiency due to DNA-PKcs deficiency. Last evaluated: 2021-05-11. Review status: criteria provided, single submitter. Criteria: Invitae Variant Classification Sherloc (09022015). Collection method: clinical testing. Allele origin: germline.
Comment: This sequence change replaces asparagine with aspartic acid at codon 4115 of the PRKDC protein (p.Asn4115Asp). The asparagine residue is moderately conserved and there is a small physicochemical difference between asparagine and aspartic acid. This variant is present in population databases (rs529354763, ExAC 0.07%). This variant has not been reported in the literature in individuals with PRKDC-related conditions. Algorithms developed to predict the effect of missense changes on protein structure and function are either unavailable or do not agree on the potential impact of this missense change (SIFT: "Tolerated"; PolyPhen-2: "Probably damaging"; Align-GVGD: "Class C0"). In summary, the available evidence is currently insufficient to determine the role of this variant in disease. Therefore, it has been classified as a Variant of Uncertain Significance.